The following is an entry in ClinVar:

ClinVar aggregate classification (germline): Uncertain significance (1 of 4 stars; one submission).

Submission:

GeneDx
Classification: Uncertain significance. Last evaluated: 2026-04-08. Review status: criteria provided, single submitter. Criteria: GeneDx Variant Classification Process June 2021. Collection method: clinical testing. Allele origin: germline.
Comment: Not observed at significant frequency in large population cohorts (gnomAD); In silico analysis supports that this missense variant has a deleterious effect on protein structure/function; Has not been previously published as pathogenic or benign to our knowledge

NM_001252102.2(KIF21B):c.4067A>T (p.Tyr1356Phe)

Gene: KIF21B (kinesin family member 21B; minus strand). Cytogenetic location: 1q32.1.
Variant type: single nucleotide variant.
Coding change: c.4067A>T on transcript NM_001252102.2 (MANE Select); coding-DNA position 4067, A replaced by T.
Protein change: p.Tyr1356Phe; replaces tyrosine 1356 with phenylalanine.
Molecular consequence: missense variant.
Genome position (GRCh38, 1-based): chr1:200,979,628, T>A on the plus strand (A>T on the coding strand, the complement: KIF21B is on the minus strand). VCF-style: chr1-200979628-T-A. GRCh37 (hg19) VCF-style: chr1-200948756-T-A.
Other names: c.4067A>T, p.Tyr1356Phe (NM_001252100.2); c.4028A>T, p.Tyr1343Phe (NM_001252103.2, NM_017596.4); short protein forms Y1343F, Y1356F.
Identifiers: ClinVar variation 5018351 (VCV005018351.1).